The following is an entry in ClinVar:

ClinVar aggregate classification (germline): Benign. Review status: criteria provided, multiple submitters, no conflicts (2 of 4 stars). 9 submissions from 6 submitters: Benign (9). Last evaluated 2026-02-03.

Conditions:
Dilated cardiomyopathy 1G (CMD1G). Identifiers: Orphanet 154, MedGen C1858763, MONDO:0011400, OMIM 604145.
Autosomal recessive limb-girdle muscular dystrophy type 2J (LGMDR10). Also called: Limb-girdle muscular dystrophy, type 2J; MUSCULAR DYSTROPHY, LIMB-GIRDLE, AUTOSOMAL RECESSIVE 10. Identifiers: Orphanet 140922, MedGen C1837342, MONDO:0012127, OMIM 608807.
Early-onset myopathy with fatal cardiomyopathy (CMYO5). Also called: Salih Myopathy; CONGENITAL MYOPATHY 5 WITH CARDIOMYOPATHY. Identifiers: Orphanet 289377, MedGen C2673677, MONDO:0012714, OMIM 611705. Disease mechanism: loss of function.
Tibial muscular dystrophy (TMD). Also called: Udd Distal Myopathy – Tibial Muscular Dystrophy; Tibial muscular dystrophy, tardive; UDD MYOPATHY. Identifiers: Orphanet 609, MedGen C1838244, MONDO:0010870, OMIM 600334.
Myopathy, myofibrillar, 9, with early respiratory failure (MFM9). Also called: EDSTROM MYOPATHY; Hereditary myopathy with early respiratory failure; MYOPATHY, PROXIMAL, WITH EARLY RESPIRATORY MUSCLE INVOLVEMENT; Myopathy, distal, with early respiratory failure, autosomal dominant. Identifiers: Orphanet 178464, Orphanet 34521, MedGen C1863599, MONDO:0011362, OMIM 603689.

Allele frequency attached by ClinVar (database versions not stated): gnomAD exomes 0.00248 and 0.00556; ExAC 0.00617; ESP Exome Variant Server 0.01831; 1000 Genomes Project 0.01837; 1000 Genomes Project 30x 0.01858; gnomAD 0.01903 and 0.02057; TOPMed 0.02249.
gnomAD v4.1: 6,736 of 1,613,168 alleles (0.42%); highest among the groups gnomAD compares: African/African-American, 6.3%; 165 homozygotes.

Submissions (14):

Labcorp Genetics (formerly Invitae), Labcorp
Classification: Benign for Dilated cardiomyopathy 1G; Autosomal recessive limb-girdle muscular dystrophy type 2J. Last evaluated: 2026-02-03. Review status: criteria provided, single submitter. Criteria: Invitae Variant Classification Sherloc (09022015). Collection method: clinical testing. Allele origin: germline.

ARUP Laboratories, Molecular Genetics and Genomics, ARUP Laboratories
Classification: Benign. Last evaluated: 2025-06-25. Review status: criteria provided, single submitter. Criteria: ARUP Molecular Germline Variant Investigation Process 2024. Collection method: clinical testing. Allele origin: germline.

Molecular Diagnostic Laboratory for Inherited Cardiovascular Disease, Montreal Heart Institute
Classification: Benign. Last evaluated: 2025-04-09. Review status: criteria provided, single submitter. Criteria: ACMG Guidelines, 2015. Collection method: clinical testing. Allele origin: germline. Affected: no.

Genome-Nilou Lab
Classification: Benign for Autosomal recessive limb-girdle muscular dystrophy type 2J. Last evaluated: 2021-09-10. Review status: criteria provided, single submitter. Criteria: ACMG Guidelines, 2015. Collection method: clinical testing. Allele origin: germline. Affected: no.

Genome-Nilou Lab
Classification: Benign for Myopathy, myofibrillar, 9, with early respiratory failure. Last evaluated: 2021-09-10. Review status: criteria provided, single submitter. Criteria: ACMG Guidelines, 2015. Collection method: clinical testing. Allele origin: germline. Affected: no.

Genome-Nilou Lab
Classification: Benign for Early-onset myopathy with fatal cardiomyopathy. Last evaluated: 2021-09-10. Review status: criteria provided, single submitter. Criteria: ACMG Guidelines, 2015. Collection method: clinical testing. Allele origin: germline. Affected: no.

Genome-Nilou Lab
Classification: Benign for Tibial muscular dystrophy. Last evaluated: 2021-09-10. Review status: criteria provided, single submitter. Criteria: ACMG Guidelines, 2015. Collection method: clinical testing. Allele origin: germline. Affected: no.

GeneDx
Classification: Benign. Last evaluated: 2018-06-16. Review status: criteria provided, single submitter. Criteria: GeneDx Variant Classification (06012015). Collection method: clinical testing. Allele origin: germline. Affected: yes.
Comment: This variant is considered likely benign or benign based on one or more of the following criteria: it is a conservative change, it occurs at a poorly conserved position in the protein, it is predicted to be benign by multiple in silico algorithms, and/or has population frequency not consistent with disease.

Breakthrough Genomics
Classification: Benign. Review status: criteria provided, single submitter. Criteria: ACMG Guidelines, 2015. Collection method: not provided. Allele origin: germline. Inheritance: Autosomal recessive inheritance. Affected: yes.

Dr. Peter K. Rogan Lab, Western University
No classification provided (evidence only). Condition: Acute myeloid leukemia. Review status: no classification provided. Collection method: in vitro. Allele origin: not applicable. Functional consequence: retained intron. Not counted in ClinVar's aggregate classification.

Dr. Peter K. Rogan Lab, Western University
No classification provided (evidence only). Condition: Acute myeloid leukemia. Review status: no classification provided. Collection method: in vitro. Allele origin: not applicable. Functional consequence: retained intron. Not counted in ClinVar's aggregate classification.

Dr. Peter K. Rogan Lab, Western University
No classification provided (evidence only). Condition: Cervical cancer. Review status: no classification provided. Collection method: in vitro. Allele origin: not applicable. Functional consequence: retained intron. Not counted in ClinVar's aggregate classification.

Dr. Peter K. Rogan Lab, Western University
No classification provided (evidence only). Condition: Hepatocellular carcinoma. Review status: no classification provided. Collection method: in vitro. Allele origin: not applicable. Functional consequence: retained intron. Not counted in ClinVar's aggregate classification.

Dr. Peter K. Rogan Lab, Western University
No classification provided (evidence only). Condition: Thymoma. Review status: no classification provided. Collection method: in vitro. Allele origin: not applicable. Functional consequence: retained intron. Not counted in ClinVar's aggregate classification.

NM_001267550.2(TTN):c.36318A>G (p.Lys12106=)

Gene: TTN (titin; minus strand). Cytogenetic location: 2q31.2.
Variant type: single nucleotide variant.
Coding change: c.36318A>G on transcript NM_001267550.2 (MANE Select); coding-DNA position 36318, A replaced by G.
Protein change: p.Lys12106=; no amino-acid change (lysine 12106 retained).
Molecular consequence: synonymous variant. On other transcripts: intron variant (5).
Genome position (GRCh38, 1-based): chr2:178,664,061, T>C on the plus strand (A>G on the coding strand, the complement: TTN is on the minus strand). VCF-style: chr2-178664061-T-C. GRCh37 (hg19) VCF-style: chr2-179528788-T-C.
Other names: c.13283-21744A>G (NM_003319.4); c.13859-21744A>G (NM_133437.4); c.13658-21744A>G (NM_133432.3); c.31484-1006A>G (NM_133378.4); c.34265-1006A>G (NM_001256850.1).
Identifiers: ClinVar variation 221027 (VCV000221027.29), dbSNP rs2115557, ClinGen allele CA349955.
Genomic context (GRCh38, chr2:178,664,061, plus strand): 5'-TCAGTGACAAATACCTTTAACAGGTGGGACTTCAGGCTTTTTAGGAGGCACCACCGACAC[T>C]TTCTTTTCAGGGATAATCTCTTTGGGAGCTTCGTGCACTTGAAAGATATTAGTATTTTTA-3'
Protein context (NP_001254479.2, residues 12096-12116): EAPKEIIPEK[Lys12106=]VSVVPPKKPE